The following is an entry in ClinVar:

NM_015466.4(PTPN23):c.1711G>T (p.Val571Leu)

Gene: PTPN23 (protein tyrosine phosphatase non-receptor type 23; plus strand). Cytogenetic location: 3p21.31.
Variant type: single nucleotide variant.
Coding change: c.1711G>T on transcript NM_015466.4 (MANE Select); coding-DNA position 1711, G replaced by T.
Protein change: p.Val571Leu; replaces valine 571 with leucine.
Molecular consequence: missense variant.
Genome position (GRCh38, 1-based): chr3:47,409,231, G>T. VCF-style: chr3-47409231-G-T. GRCh37 (hg19) VCF-style: chr3-47450721-G-T.
Other names: c.1333G>T, p.Val445Leu (NM_001304482.2); short protein forms V571L, V445L.
Identifiers: ClinVar variation 1401884 (VCV001401884.8), dbSNP rs1003495914, ClinGen allele CA73876912.
Genomic context (GRCh38, chr3:47,409,231, plus strand): 5'-GCCGTGCTGCAAAACCTAAAGCGCATCCTGGCTAAGGTGCAGGAGATGCGGGACCAGCGC[G>T]TGTCCCTGGAGCAGCAGCTGCGTGAGCTTATCCAGAAAGATGACATCACTGCCTCGCTGG-3'
Protein context (NP_056281.1, residues 561-581): AKVQEMRDQR[Val571Leu]SLEQQLRELI

ClinVar aggregate classification (germline): Uncertain significance (1 of 4 stars; one submission).

Allele frequency attached by ClinVar (database versions not stated): TOPMed 0.00001.
gnomAD v4.1: 12 of 1,614,068 alleles (0.00074%); highest among the groups gnomAD compares: African/African-American, 0.011%; no homozygotes.

Submission:

Labcorp Genetics (formerly Invitae), Labcorp
Classification: Uncertain significance. Last evaluated: 2022-10-17. Review status: criteria provided, single submitter. Criteria: Invitae Variant Classification Sherloc (09022015). Collection method: clinical testing. Allele origin: germline.
Comment: ClinVar contains an entry for this variant (Variation ID: 1401884). In summary, the available evidence is currently insufficient to determine the role of this variant in disease. Therefore, it has been classified as a Variant of Uncertain Significance. Algorithms developed to predict the effect of missense changes on protein structure and function output the following: SIFT: "Tolerated"; PolyPhen-2: "Not Available"; Align-GVGD: "Class C0". The leucine amino acid residue is found in multiple mammalian species, which suggests that this missense change does not adversely affect protein function. This variant has not been reported in the literature in individuals affected with PTPN23-related conditions. This variant is present in population databases (no rsID available, gnomAD 0.02%). This sequence change replaces valine, which is neutral and non-polar, with leucine, which is neutral and non-polar, at codon 571 of the PTPN23 protein (p.Val571Leu).